The following is an entry in ClinVar:

ClinVar aggregate classification (germline): Uncertain significance (1 of 4 stars; one submission).

Conditions:
Mowat-Wilson syndrome (MOWS). Also called: Classic Mowat-Wilson Syndrome. Identifiers: Orphanet 2152, MedGen C1856113, MONDO:0009341, OMIM 235730.

gnomAD v4.1: 1 of 1,614,174 alleles (0.000062%); highest among the groups gnomAD compares: East Asian, 0.0022%; no homozygotes.

Submission:

Labcorp Genetics (formerly Invitae), Labcorp
Classification: Uncertain significance for Mowat-Wilson syndrome. Last evaluated: 2021-05-09. Review status: criteria provided, single submitter. Criteria: Invitae Variant Classification Sherloc (09022015). Collection method: clinical testing. Allele origin: germline.
Comment: In summary, the available evidence is currently insufficient to determine the role of this variant in disease. Therefore, it has been classified as a Variant of Uncertain Significance. Algorithms developed to predict the effect of missense changes on protein structure and function are either unavailable or do not agree on the potential impact of this missense change (SIFT: "Tolerated"; PolyPhen-2: "Possibly Damaging"; Align-GVGD: "Class C0"). This variant has not been reported in the literature in individuals with ZEB2-related conditions. This variant is not present in population databases (ExAC no frequency). This sequence change replaces proline with serine at codon 510 of the ZEB2 protein (p.Pro510Ser). The proline residue is moderately conserved and there is a moderate physicochemical difference between proline and serine.

NM_014795.4(ZEB2):c.1528C>T (p.Pro510Ser)

Gene: ZEB2 (zinc finger E-box binding homeobox 2; minus strand). Cytogenetic location: 2q22.3.
Variant type: single nucleotide variant.
Coding change: c.1528C>T on transcript NM_014795.4 (MANE Select); coding-DNA position 1528, C replaced by T.
Protein change: p.Pro510Ser; replaces proline 510 with serine.
Molecular consequence: missense variant.
Genome position (GRCh38, 1-based): chr2:144,399,659, G>A on the plus strand (C>T on the coding strand, the complement: ZEB2 is on the minus strand). VCF-style: chr2-144399659-G-A. GRCh37 (hg19) VCF-style: chr2-145157226-G-A.
Other names: c.1456C>T, p.Pro486Ser (NM_001171653.2); short protein forms P486S, P510S.
Identifiers: ClinVar variation 1495051 (VCV001495051.8), dbSNP rs2149877203, ClinGen allele CA348711170.